The following is an entry in ClinVar:

ClinVar aggregate classification (germline): Uncertain significance. Review status: criteria provided, multiple submitters, no conflicts (2 of 4 stars). 2 submissions from 2 submitters: Uncertain significance (2). Last evaluated 2026-01-29.

Conditions:
Hereditary cancer-predisposing syndrome. Also called: Neoplastic Syndromes, Hereditary; Tumor predisposition; Hereditary neoplastic syndrome; Hereditary Cancer Syndrome. Identifiers: Orphanet 140162, MedGen C0027672, MeSH D009386, MONDO:0015356.

Submissions (2):

Ambry Genetics
Classification: Uncertain significance for Hereditary cancer-predisposing syndrome. Last evaluated: 2026-01-29. Review status: criteria provided, single submitter. Criteria: Ambry Variant Classification Scheme 2023. Collection method: clinical testing. Allele origin: germline.
Comment: The p.C869F variant (also known as c.2606G>T), located in coding exon 4 of the MSH6 gene, results from a G to T substitution at nucleotide position 2606. The cysteine at codon 869 is replaced by phenylalanine, an amino acid with highly dissimilar properties. This amino acid position is not well conserved in available vertebrate species. In addition, the in silico prediction for this alteration is inconclusive. Based on the available evidence, the clinical significance of this variant remains unclear.

Color Diagnostics, LLC DBA Color Health
Classification: Uncertain significance for Hereditary cancer-predisposing syndrome. Last evaluated: 2025-01-06. Review status: criteria provided, single submitter. Criteria: ACMG Guidelines, 2015. Collection method: clinical testing. Allele origin: germline.
Comment: This missense variant replaces cysteine with phenylalanine at codon 869 of the MSH6 protein. Computational prediction suggests that this variant may not impact protein structure and function (internally defined REVEL score threshold <= 0.5, PMID: 27666373). To our knowledge, functional studies have not been reported for this variant. This variant has not been reported in individuals affected with MSH6-related disorders in the literature. This variant has not been identified in the general population by the Genome Aggregation Database (gnomAD). The available evidence is insufficient to determine the role of this variant in disease conclusively. Therefore, this variant is classified as a Variant of Uncertain Significance.

NM_000179.3(MSH6):c.2606G>T (p.Cys869Phe)

Gene: MSH6 (mutS homolog 6; plus strand). Cytogenetic location: 2p16.3.
Variant type: single nucleotide variant.
Coding change: c.2606G>T on transcript NM_000179.3 (MANE Select); coding-DNA position 2606, G replaced by T.
Protein change: p.Cys869Phe; replaces cysteine 869 with phenylalanine.
Molecular consequence: missense variant. On other transcripts: non-coding transcript variant (5), intron variant (3).
Genome position (GRCh38, 1-based): chr2:47,800,589, G>T. VCF-style: chr2-47800589-G-T. GRCh37 (hg19) VCF-style: chr2-48027728-G-T.
Other names: c.2702G>T, p.Cys901Phe (NM_001406802.1, NM_001406795.1); c.2528G>T, p.Cys843Phe (NM_001406804.1); c.2309G>T, p.Cys770Phe (NM_001406805.1, NM_001406824.1, NM_001406825.1 and 10 more transcripts); c.2081G>T, p.Cys694Phe (NM_001406806.1, NM_001406807.1, NM_001406799.1); c.2606G>T, p.Cys869Phe (NM_001406808.1, NM_001406809.1, NM_001406796.1 and 2 more transcripts); c.1700G>T, p.Cys567Phe (NM_001406811.1, NM_001406812.1, NM_001406829.1 and 6 more transcripts); c.2612G>T, p.Cys871Phe (NM_001406813.1); c.2438G>T, p.Cys813Phe (NM_001406826.1); and 4 more; short protein forms C567F, C694F, C739F, C770F, C813F, C843F, C869F, C871F.
Identifiers: ClinVar variation 3894221 (VCV003894221.2).